The following is an entry in ClinVar:

NM_001267550.2(TTN):c.98119G>C (p.Asp32707His)

Genes: TTN (titin; minus strand), TTN-AS1 (TTN antisense RNA 1; plus strand). Cytogenetic location: 2q31.2.
Variant type: single nucleotide variant.
Coding change: c.98119G>C on transcript NM_001267550.2 (MANE Select); coding-DNA position 98119, G replaced by C.
Protein change: p.Asp32707His; replaces aspartic acid 32707 with histidine.
Molecular consequence: missense variant.
Genome position (GRCh38, 1-based): chr2:178,539,946, C>G on the plus strand (G>C on the coding strand, the complement: TTN is on the minus strand). VCF-style: chr2-178539946-C-G. GRCh37 (hg19) VCF-style: chr2-179404673-C-G.
Other names: c.98119G>C (NM_001267550.1); c.93196G>C, p.Asp31066His (NM_001256850.1); c.70924G>C, p.Asp23642His (NM_003319.4); c.90415G>C, p.Asp30139His (NM_133378.4); c.71299G>C, p.Asp23767His (NM_133432.3); c.71500G>C, p.Asp23834His (NM_133437.4); short protein forms D32707H, D23834H, D23767H, D30139H, D23642H, D31066H.
Identifiers: ClinVar variation 467700 (VCV000467700.6), dbSNP rs1307768306, ClinGen allele CA349434738.

ClinVar aggregate classification (germline): Conflicting classifications of pathogenicity. Review status: criteria provided, conflicting classifications (1 of 4 stars). 3 submissions from 3 submitters: Uncertain significance (2); Likely benign (1). Last evaluated 2024-10-22.

Conditions:
Autosomal recessive limb-girdle muscular dystrophy type 2J (LGMDR10). Also called: Limb-girdle muscular dystrophy, type 2J; MUSCULAR DYSTROPHY, LIMB-GIRDLE, AUTOSOMAL RECESSIVE 10. Identifiers: Orphanet 140922, MedGen C1837342, MONDO:0012127, OMIM 608807.
Dilated cardiomyopathy 1G (CMD1G). Identifiers: Orphanet 154, MedGen C1858763, MONDO:0011400, OMIM 604145.

Allele frequency attached by ClinVar (database versions not stated): gnomAD 0.00002; gnomAD exomes 0.00002; TOPMed 0.00002.
gnomAD v4.1: 24 of 1,613,352 alleles (0.0015%); highest among the groups gnomAD compares: Non-Finnish European, 0.0019%; no homozygotes.

Submissions (3):

Revvity Omics, Revvity
Classification: Uncertain significance. Last evaluated: 2024-10-22. Review status: criteria provided, single submitter. Criteria: ACMG Guidelines, 2015. Collection method: clinical testing. Allele origin: germline.

GeneDx
Classification: Likely benign. Last evaluated: 2019-01-08. Review status: criteria provided, single submitter. Criteria: GeneDx Variant Classification Process June 2021. Collection method: clinical testing. Allele origin: germline. Affected: yes.
Comment: See Variant Classification Assertion Criteria.

Labcorp Genetics (formerly Invitae), Labcorp
Classification: Uncertain significance for Dilated cardiomyopathy 1G; Autosomal recessive limb-girdle muscular dystrophy type 2J. Last evaluated: 2017-04-26. Review status: criteria provided, single submitter. Criteria: Invitae Variant Classification Sherloc (09022015). Collection method: clinical testing. Allele origin: germline.